The following is an entry in ClinVar:

ClinVar aggregate classification (germline): Uncertain significance (1 of 4 stars; one submission).

Conditions:
Hereditary cancer-predisposing syndrome. Also called: Neoplastic Syndromes, Hereditary; Hereditary neoplastic syndrome; Tumor predisposition; Hereditary Cancer Syndrome. Identifiers: Orphanet 140162, MedGen C0027672, MeSH D009386, MONDO:0015356.

Allele frequency attached by ClinVar (database versions not stated): gnomAD exomes 0.00002.
gnomAD v4.1: 27 of 1,614,094 alleles (0.0017%); highest among the groups gnomAD compares: Non-Finnish European, 0.0023%; no homozygotes.

Submission:

Ambry Genetics
Classification: Uncertain significance for Hereditary cancer-predisposing syndrome. Last evaluated: 2022-11-10. Review status: criteria provided, single submitter. Criteria: Ambry Variant Classification Scheme 2023. Collection method: clinical testing. Allele origin: germline.
Comment: The p.S543T variant (also known as c.1627T>A), located in coding exon 14 of the FANCC gene, results from a T to A substitution at nucleotide position 1627. The serine at codon 543 is replaced by threonine, an amino acid with similar properties. This amino acid position is conserved. In addition, this alteration is predicted to be tolerated by in silico analysis. Since supporting evidence is limited at this time, the clinical significance of this alteration remains unclear.

NM_000136.3(FANCC):c.1627T>A (p.Ser543Thr)

Genes: AOPEP (aminopeptidase O (putative); plus strand), FANCC (FA complementation group C; minus strand). Cytogenetic location: 9q22.32.
Variant type: single nucleotide variant.
Coding change: c.1627T>A on transcript NM_000136.3 (MANE Select); coding-DNA position 1627, T replaced by A.
Protein change: p.Ser543Thr; replaces serine 543 with threonine.
Molecular consequence: missense variant.
Genome position (GRCh38, 1-based): chr9:95,101,757, A>T on the plus strand (T>A on the coding strand, the complement: FANCC is on the minus strand). VCF-style: chr9-95101757-A-T. GRCh37 (hg19) VCF-style: chr9-97864039-A-T.
Other names: c.1627T>A, p.Ser543Thr (NM_001243743.2); short protein forms S543T.
Identifiers: ClinVar variation 2462847 (VCV002462847.2), dbSNP rs1303872874, ClinGen allele CA374104385.
Genomic context (GRCh38, chr9:95,101,757, plus strand): 5'-TGCGTGCCTTCTAGACTTGAGTTCGCAGCTCTTTAAGGAGCTCTCGGGCCAGTTTTTCTG[A>T]TCTAGGGCTTTCAATGCCAAGACGATTCCATCTGTACAAGGTCTGGTCAAGAAAGCCAAT-3'
Protein context (NP_000127.2, residues 533-553): WNRLGIESPR[Ser543Thr]EKLARELLKE